The following is an entry in ClinVar:

NM_007194.4(CHEK2):c.606_607insSVAelement

Gene: CHEK2 (checkpoint kinase 2; minus strand). Cytogenetic location: 22q12.1.
Variant type: Insertion.
Coding change: c.606_607insSVAelement on transcript NM_007194.4; coding-DNA positions 606 to 607, an insertion.
Other names: NM_007194.3:c.606_607insSVA.
Identifiers: ClinVar variation 870231 (VCV000870231.2).

ClinVar aggregate classification (germline): Pathogenic (1 of 4 stars; one submission).

Conditions:
Familial cancer of breast. Also called: Hereditary breast cancer; hereditary breast carcinoma; BREAST CANCER, FAMILIAL. Identifiers: Orphanet 227535, MedGen C0346153, MONDO:0016419, OMIM 114480. Disease mechanism: loss of function.

Submission:

Labcorp Genetics (formerly Invitae), Labcorp
Classification: Pathogenic for Hereditary Breast Carcinoma. Last evaluated: 2019-11-07. Review status: criteria provided, single submitter. Criteria: Invitae Variant Classification Sherloc (09022015). Collection method: clinical testing. Allele origin: germline.
Comment: This sequence change inserts an SVA retrotransposon in exon 5 of the CHEK2 mRNA (c.606_607insSVA), causing a frameshift at codon 203 (p.Asp203fs). The exact size and sequence of the insertion cannot be determined by the current assay. However, the insertion is expected to result in an absent or disrupted protein product. Retrotransposon insertions including LINE1 (L1), Alu, and SVA (SINE-VNTR-Alu) have been reported to be disease-causing through disruption of either a coding region or splice site (PMID: 19763152, 20307669, 22406018). Although this variant has not been reported in the literature, loss-of-function variants in CHEK2 are known to be pathogenic (PMID: 21876083, 24713400). For these reasons, this variant has been classified as Pathogenic.

Literature cited by the submitters: PubMed 20307669; PubMed 24713400; PubMed 22406018; PubMed 21876083; PubMed 19763152.